The following is an entry in ClinVar:

NM_153485.3(NUP155):c.3186A>G (p.Pro1062=)

Gene: NUP155 (nucleoporin 155; minus strand). Cytogenetic location: 5p13.2.
Variant type: single nucleotide variant.
Coding change: c.3186A>G on transcript NM_153485.3 (MANE Select); coding-DNA position 3186, A replaced by G.
Protein change: p.Pro1062=; no amino-acid change (proline 1062 retained).
Molecular consequence: synonymous variant.
Genome position (GRCh38, 1-based): chr5:37,303,391, T>C on the plus strand (A>G on the coding strand, the complement: NUP155 is on the minus strand). VCF-style: chr5-37303391-T-C. GRCh37 (hg19) VCF-style: chr5-37303493-T-C.
Other names: c.2994A>G, p.Pro998= (NM_001278312.2); c.3009A>G, p.Pro1003= (NM_004298.4).
Identifiers: ClinVar variation 3352617 (VCV003352617.2).

ClinVar aggregate classification (germline): Likely benign. Review status: criteria provided, single submitter (1 of 4 stars). 2 submissions from 2 submitters: Likely benign (1). 1 of the submissions does not count toward it. Last evaluated 2024-10-08.

Conditions:
NUP155-related disorder. Also called: NUP155-related condition.

gnomAD v4.1: 954 of 1,614,128 alleles (0.059%); highest among the groups gnomAD compares: African/African-American, 1.1%; 6 homozygotes.

Submissions (2):

Blueprint Genetics
Classification: Likely benign. Last evaluated: 2024-10-08. Review status: criteria provided, single submitter. Criteria: ACMG Guidelines, 2015. Collection method: clinical testing. Allele origin: germline.

PreventionGenetics, part of Exact Sciences
Classification: Benign for NUP155-related condition. Last evaluated: 2024-06-16. Review status: no assertion criteria provided. Collection method: clinical testing. Allele origin: germline. Not counted in ClinVar's aggregate classification.
Comment: This variant is classified as benign based on ACMG/AMP sequence variant interpretation guidelines (Richards et al. 2015 PMID: 25741868, with internal and published modifications).